The following is an entry in ClinVar:

NM_001258392.3(CLPB):c.514A>C (p.Met172Leu)

Gene: CLPB (caseinolytic mitochondrial matrix peptidase chaperone subunit B; minus strand). Cytogenetic location: 11q13.4.
Variant type: single nucleotide variant.
Coding change: c.514A>C on transcript NM_001258392.3 (MANE Select); coding-DNA position 514, A replaced by C.
Protein change: p.Met172Leu; replaces methionine 172 with leucine.
Molecular consequence: missense variant. On other transcripts: intron variant (1).
Genome position (GRCh38, 1-based): chr11:72,402,994, T>G on the plus strand (A>C on the coding strand, the complement: CLPB is on the minus strand). VCF-style: chr11-72402994-T-G. GRCh37 (hg19) VCF-style: chr11-72114038-T-G.
Other names: c.379A>C, p.Met127Leu (NM_001258394.3); c.514A>C, p.Met172Leu (NM_030813.6); c.456-22610A>C (NM_001258393.3); short protein forms M172L, M127L.
Identifiers: ClinVar variation 424029 (VCV000424029.2), dbSNP rs1064796757, ClinGen allele CA16619403.

ClinVar aggregate classification (germline): Likely pathogenic (1 of 4 stars; one submission).

Submission:

GeneDx
Classification: Likely pathogenic. Last evaluated: 2017-03-13. Review status: criteria provided, single submitter. Criteria: GeneDx Variant Classification (06012015). Collection method: clinical testing. Allele origin: germline. Affected: yes.
Comment: The M172L variant in the CLPB gene has not been reported previously as a pathogenic variant, nor as a benign variant, to our knowledge. The M172L variant is not observed in large population cohorts (Lek et al., 2016; 1000 Genomes Consortium et al., 2015; Exome Variant Server). The M172L variant is a conservative amino acid substitution and occurs at a position that is conserved across most species. In silico analysis is inconsistent in its predictions as to whether or not the variant is damaging to the protein structure/function. The M172L variant is a strong candidate for a pathogenic variant, however the possibility it may be a rare benign variant cannot be excluded.